The following is an entry in ClinVar:

NM_001286.5(CLCN6):c.205G>A (p.Asp69Asn)

Gene: CLCN6 (chloride voltage-gated channel 6; plus strand). Cytogenetic location: 1p36.22.
Variant type: single nucleotide variant.
Coding change: c.205G>A on transcript NM_001286.5 (MANE Select); coding-DNA position 205, G replaced by A.
Protein change: p.Asp69Asn; replaces aspartic acid 69 with asparagine.
Molecular consequence: missense variant. On other transcripts: non-coding transcript variant (1), intron variant (1).
Genome position (GRCh38, 1-based): chr1:11,815,903, G>A. VCF-style: chr1-11815903-G-A. GRCh37 (hg19) VCF-style: chr1-11875960-G-A.
Other names: c.148-712G>A (NM_001256959.2); short protein forms D69N.
Identifiers: ClinVar variation 4528082 (VCV004528082.1).

ClinVar aggregate classification (germline): Uncertain significance (1 of 4 stars; one submission).

gnomAD v4.1: 2 of 1,611,124 alleles (0.00012%); highest among the groups gnomAD compares: Non-Finnish European, 0.00017%; no homozygotes.

Submission:

GeneDx
Classification: Uncertain significance. Last evaluated: 2025-05-05. Review status: criteria provided, single submitter. Criteria: GeneDx Variant Classification Process June 2021. Collection method: clinical testing. Allele origin: germline. Affected: yes.
Comment: Not observed at significant frequency in large population cohorts (gnomAD); In silico analysis suggests that this missense variant does not alter protein structure/function; Has not been previously published as pathogenic or benign to our knowledge